The following is an entry in ClinVar:

NM_032806.6(POMGNT2):c.1333C>T (p.Arg445Ter)

Gene: POMGNT2 (protein O-linked mannose N-acetylglucosaminyltransferase 2 (beta 1,4-); minus strand). Cytogenetic location: 3p22.1.
Variant type: single nucleotide variant.
Coding change: c.1333C>T on transcript NM_032806.6 (MANE Select); coding-DNA position 1333, C replaced by T.
Protein change: p.Arg445Ter; replaces arginine 445 with a stop codon.
Molecular consequence: nonsense.
Genome position (GRCh38, 1-based): chr3:43,080,099, G>A on the plus strand (C>T on the coding strand, the complement: POMGNT2 is on the minus strand). VCF-style: chr3-43080099-G-A. GRCh37 (hg19) VCF-style: chr3-43121591-G-A.
Other names: short protein forms R445*.
Identifiers: ClinVar variation 37207 (VCV000037207.2), dbSNP rs387907299, ClinGen allele CA130105.

ClinVar aggregate classification (germline): Pathogenic. Review status: criteria provided, single submitter (1 of 4 stars). 2 submissions from 2 submitters: Pathogenic (1). 1 of the submissions does not count toward it. Last evaluated 2025-09-15.

Conditions:
Muscular dystrophy-dystroglycanopathy (congenital with brain and eye anomalies), type a, 8 (MDDGA8). Also called: WALKER-WARBURG SYNDROME OR MUSCLE-EYE-BRAIN DISEASE, GTDC2-RELATED. Identifiers: Orphanet 899, MedGen C3553813, MONDO:0013904, OMIM 614830.

Allele frequency attached by ClinVar (database versions not stated): ExAC 0.00001.

Submissions (2):

Labcorp Genetics (formerly Invitae), Labcorp
Classification: Pathogenic for Muscular dystrophy-dystroglycanopathy (congenital with brain and eye anomalies), type a, 8. Last evaluated: 2025-09-15. Review status: criteria provided, single submitter. Criteria: Invitae Variant Classification Sherloc (09022015). Collection method: clinical testing. Allele origin: germline.
Comment: This sequence change creates a premature translational stop signal (p.Arg445*) in the POMGNT2 gene. While this is not anticipated to result in nonsense mediated decay, it is expected to disrupt the last 136 amino acid(s) of the POMGNT2 protein. This variant is present in population databases (rs387907299, gnomAD no frequency). This premature translational stop signal has been observed in individual(s) with Walker-Warburg syndrome (PMID: 22958903). ClinVar contains an entry for this variant (Variation ID: 37207). This variant disrupts a region of the POMGNT2 protein in which other variant(s) (p.Glu519*) have been determined to be pathogenic (internal data). This suggests that this is a clinically significant region of the protein, and that variants that disrupt it are likely to be disease-causing. For these reasons, this variant has been classified as Pathogenic.

OMIM
Classification: Pathogenic for MUSCULAR DYSTROPHY-DYSTROGLYCANOPATHY (CONGENITAL WITH BRAIN AND EYE ANOMALIES), TYPE A, 8. Last evaluated: 2012-09-07. Review status: no assertion criteria provided. Collection method: literature only. Allele origin: germline. Not counted in ClinVar's aggregate classification.

Literature cited by the submitters: PubMed 22958903 (cited by Labcorp Genetics (formerly Invitae), Labcorp and OMIM).